The following is an entry in ClinVar:

NM_000553.6(WRN):c.955T>C (p.Ser319Pro)

Gene: WRN (WRN RecQ like helicase; plus strand). Cytogenetic location: 8p12.
Variant type: single nucleotide variant.
Coding change: c.955T>C on transcript NM_000553.6 (MANE Select); coding-DNA position 955, T replaced by C.
Protein change: p.Ser319Pro; replaces serine 319 with proline.
Molecular consequence: missense variant.
Genome position (GRCh38, 1-based): chr8:31,080,982, T>C. VCF-style: chr8-31080982-T-C. GRCh37 (hg19) VCF-style: chr8-30938498-T-C.
Other names: short protein forms S319P.
Identifiers: ClinVar variation 2753254 (VCV002753254.3), dbSNP rs1813281419, ClinGen allele CA370920019.

ClinVar aggregate classification (germline): Uncertain significance (1 of 4 stars; one submission).

Conditions:
Werner syndrome (WRN). Identifiers: Orphanet 902, MedGen C0043119, MONDO:0010196, OMIM 277700.

Allele frequency attached by ClinVar (database versions not stated): TOPMed below 0.00001; gnomAD 0.00001.
gnomAD v4.1: 1 of 1,613,914 alleles (0.000062%); highest among the groups gnomAD compares: Non-Finnish European, 0.000085%; no homozygotes.

Submission:

Labcorp Genetics (formerly Invitae), Labcorp
Classification: Uncertain significance for Werner syndrome. Last evaluated: 2023-10-25. Review status: criteria provided, single submitter. Criteria: Invitae Variant Classification Sherloc (09022015). Collection method: clinical testing. Allele origin: germline.
Comment: This sequence change replaces serine, which is neutral and polar, with proline, which is neutral and non-polar, at codon 319 of the WRN protein (p.Ser319Pro). This variant is not present in population databases (gnomAD no frequency). This variant has not been reported in the literature in individuals affected with WRN-related conditions. Algorithms developed to predict the effect of missense changes on protein structure and function output the following: SIFT: "Not Available"; PolyPhen-2: "Benign"; Align-GVGD: "Not Available". The proline amino acid residue is found in multiple mammalian species, which suggests that this missense change does not adversely affect protein function. In summary, the available evidence is currently insufficient to determine the role of this variant in disease. Therefore, it has been classified as a Variant of Uncertain Significance.